The following is an entry in ClinVar:

NM_001235.5(SERPINH1):c.27C>T (p.Ala9=)

Gene: SERPINH1 (serpin family H member 1; plus strand). Cytogenetic location: 11q13.5.
Variant type: single nucleotide variant.
Coding change: c.27C>T on transcript NM_001235.5 (MANE Select); coding-DNA position 27, C replaced by T.
Protein change: p.Ala9=; no amino-acid change (alanine 9 retained).
Molecular consequence: synonymous variant.
Genome position (GRCh38, 1-based): chr11:75,566,376, C>T. VCF-style: chr11-75566376-C-T. GRCh37 (hg19) VCF-style: chr11-75277421-C-T.
Other names: c.27C>T, p.Ala9= (NM_001207014.3).
Identifiers: ClinVar variation 681925 (VCV000681925.1), dbSNP rs1592199909, ClinGen allele CA475879317.

ClinVar aggregate classification (germline): Likely benign (1 of 4 stars; one submission).

Submission:

GeneDx
Classification: Likely benign. Last evaluated: 2018-04-10. Review status: criteria provided, single submitter. Criteria: GeneDx Variant Classification (06012015). Collection method: clinical testing. Allele origin: germline. Affected: yes.
Comment: This variant is considered likely benign or benign based on one or more of the following criteria: it is a conservative change, it occurs at a poorly conserved position in the protein, it is predicted to be benign by multiple in silico algorithms, and/or has population frequency not consistent with disease.